The following is an entry in ClinVar:

NM_000426.4(LAMA2):c.6086-2A>C

Genes: LAMA2 (laminin subunit alpha 2; plus strand), LOC123864065 (Sharpr-MPRA regulatory region 661; plus strand). Cytogenetic location: 6q22.33.
Variant type: single nucleotide variant.
Coding change: c.6086-2A>C on transcript NM_000426.4 (MANE Select); the canonical splice acceptor site of the intron before coding-DNA position 6086, A replaced by C.
Molecular consequence: splice acceptor variant.
Genome position (GRCh38, 1-based): chr6:129,440,814, A>C. VCF-style: chr6-129440814-A-C. GRCh37 (hg19) VCF-style: chr6-129761959-A-C.
Other names: c.6086-2A>C (NM_001079823.2).
Identifiers: ClinVar variation 962125 (VCV000962125.8), dbSNP rs759055212, ClinGen allele CA365628743.
Genomic context (GRCh38, chr6:129,440,814, plus strand): 5'-ATGGATTAAGCCACTAACTCCACACCCTTTGTTTTGTTTTTCATACCCTCATCTGCTGAC[A>C]GATACAGCTGCTAAACTGCAAGCTGTTAAGGACAAAGCCAGACAAGCCAACGACACAGCT-3'

ClinVar aggregate classification (germline): Likely pathogenic (1 of 4 stars; one submission).

Conditions:
LAMA2-related muscular dystrophy (LAMA2-RD). Also called: Laminin alpha 2-related dystrophy. Identifiers: MedGen C5679788, MONDO:0100228.

Allele frequency attached by ClinVar (database versions not stated): TOPMed 0.00001.
gnomAD v4.1: 2 of 1,613,420 alleles (0.00012%); highest among the groups gnomAD compares: African/African-American, 0.0027%; no homozygotes.

Submission:

Labcorp Genetics (formerly Invitae), Labcorp
Classification: Likely pathogenic for LAMA2-related muscular dystrophy. Last evaluated: 2019-07-17. Review status: criteria provided, single submitter. Criteria: Invitae Variant Classification Sherloc (09022015). Collection method: clinical testing. Allele origin: germline.
Comment: This variant has not been reported in the literature in individuals with LAMA2-related conditions. This sequence change affects an acceptor splice site in intron 42 of the LAMA2 gene. It is expected to disrupt RNA splicing and likely results in an absent or disrupted protein product. This variant is not present in population databases (ExAC no frequency). Donor and acceptor splice site variants typically lead to a loss of protein function (PMID: 16199547), and loss-of-function variants in LAMA2 are known to be pathogenic (PMID: 18700894). In summary, the currently available evidence indicates that the variant is pathogenic, but additional data are needed to prove that conclusively. Therefore, this variant has been classified as Likely Pathogenic.

Literature cited by the submitters: PubMed 16199547; PubMed 18700894.